The following is an entry in ClinVar:

NM_004984.4(KIF5A):c.2659_2674del (p.Met887fs)

Gene: KIF5A (kinesin family member 5A; plus strand). Cytogenetic location: 12q13.3.
Variant type: Deletion.
Coding change: c.2659_2674del on transcript NM_004984.4 (MANE Select); coding-DNA positions 2659 to 2674, 16 bases deleted (ATGAAGGACAAGCGCC).
Protein change: p.Met887fs; shifts the reading frame from methionine 887.
Molecular consequence: frameshift variant.
Genome position (GRCh38, 1-based): chr12:57,581,076-57,581,091, ATGAAGGACAAGCGCC deleted; deleting any 16 consecutive bases within chr12:57,581,071-57,581,091 gives the same sequence; the c. name uses the placement nearest the transcript's 3' end. VCF-style (leftmost placement, unchanged base first): chr12-57581070-GGCGCCATGAAGGACAA-G. GRCh37 (hg19) VCF-style: chr12-57974853-GGCGCCATGAAGGACAA-G.
Other names: c.2392_2407del, p.Met798fs (NM_001354705.2); short protein forms M798fs, M887fs.
Identifiers: ClinVar variation 1371433 (VCV001371433.6), dbSNP rs2140171473, ClinGen allele CA2573148862.

ClinVar aggregate classification (germline): Uncertain significance (1 of 4 stars; one submission).

Conditions:
Spastic paraplegia. Identifiers: MedGen C0037772, HP:0001258.

Submission:

Labcorp Genetics (formerly Invitae), Labcorp
Classification: Uncertain significance for Spastic paraplegia. Last evaluated: 2021-08-27. Review status: criteria provided, single submitter. Criteria: Invitae Variant Classification Sherloc (09022015). Collection method: clinical testing. Allele origin: germline.
Comment: In summary, the available evidence is currently insufficient to determine the role of this variant in disease. Therefore, it has been classified as a Variant of Uncertain Significance. This variant results in an extension of the KIF5A protein. Other variant(s) that result in a similarly extended protein product (p.Cys975Valfs*73) have been determined to be pathogenic (PMID: 27414745). This suggests that these extensions are likely to be disease-causing. This frameshift has been observed in individual(s) with clinical features of KIF5A-related conditions (Invitae). This variant is not present in population databases (ExAC no frequency). This sequence change results in a frameshift in the KIF5A gene (p.Met887Glyfs*156). While this is not anticipated to result in nonsense mediated decay, it is expected to disrupt the last 146 amino acid(s) of the KIF5A protein and extend the protein by 9 additional amino acid residues.

Literature cited by the submitters: PubMed 27414745.